The following is an entry in ClinVar:

NM_001377540.1(SLMAP):c.1440A>C (p.Thr480=)

Gene: SLMAP (sarcolemma associated protein; plus strand). Cytogenetic location: 3p14.3.
Variant type: single nucleotide variant.
Coding change: c.1440A>C on transcript NM_001377540.1 (MANE Select); coding-DNA position 1440, A replaced by C.
Protein change: p.Thr480=; no amino-acid change (threonine 480 retained).
Molecular consequence: synonymous variant. On other transcripts: 5 prime UTR variant (7), non-coding transcript variant (1).
Genome position (GRCh38, 1-based): chr3:57,896,590, A>C. VCF-style: chr3-57896590-A-C. GRCh37 (hg19) VCF-style: chr3-57882317-A-C.
Other names: c.1389A>C, p.Thr463= (NM_001304420.3, NM_001377541.1, NM_001377542.1 and 2 more transcripts); c.1275A>C, p.Thr425= (NM_001304421.2, NM_001377557.1, NM_001377559.1 and 1 more transcripts); c.-10A>C (NM_001304422.3, NM_001304423.3, NM_001311178.2 and 4 more transcripts); c.1440A>C, p.Thr480= (NM_001377538.1, NM_001377539.1, NM_001377555.1); c.1377A>C, p.Thr459= (NM_001377545.1, NM_001377922.1); c.1338A>C, p.Thr446= (NM_001377549.1, NM_001377923.1, NM_007159.5); c.1326A>C, p.Thr442= (NM_001377551.1, NM_001377552.1, NM_001377924.1).
Identifiers: ClinVar variation 2026045 (VCV002026045.4), dbSNP rs1026388604, ClinGen allele CA434104064.
Genomic context (GRCh38, chr3:57,896,590, plus strand): 5'-AGAATCTGATTTTTCAGATACTCTGAGTCCAAGCAAGGAAAAAAGCAGTGACGACACTAC[A>C]GGTGAGTTTTAACCTAATGTTTACAGACCTGCAGCTGTTAATGGCAGTTTAGTTATATAG-3'
Protein context (NP_001364469.1, residues 470-490): PSKEKSSDDT[Thr480=]DAQMDEQDLN

ClinVar aggregate classification (germline): Uncertain significance (1 of 4 stars; one submission).

Conditions:
Brugada syndrome. Also called: Sudden unexpected nocturnal death syndrome; Sudden Unexplained Death Syndrome; Sudden Unexplained Nocturnal Death Syndrome (SUNDS); Sudden unexplained nocturnal death syndrome. Identifiers: Orphanet 130, MedGen C1142166, MONDO:0015263.

Submission:

Labcorp Genetics (formerly Invitae), Labcorp
Classification: Uncertain significance for Brugada syndrome. Last evaluated: 2022-08-22. Review status: criteria provided, single submitter. Criteria: Invitae Variant Classification Sherloc (09022015). Collection method: clinical testing. Allele origin: germline.
Comment: In summary, the available evidence is currently insufficient to determine the role of this variant in disease. Therefore, it has been classified as a Variant of Uncertain Significance. Algorithms developed to predict the effect of sequence changes on RNA splicing suggest that this variant is not likely to affect RNA splicing. This variant has not been reported in the literature in individuals affected with SLMAP-related conditions. This variant is not present in population databases (gnomAD no frequency). This sequence change affects codon 446 of the SLMAP mRNA. It is a 'silent' change, meaning that it does not change the encoded amino acid sequence of the SLMAP protein. It affects a nucleotide within the consensus splice site.